The following is an entry in ClinVar:

NM_002474.3(MYH11):c.5388G>A (p.Glu1796=)

Genes: MYH11 (myosin heavy chain 11; minus strand), NDE1 (nudE neurodevelopment protein 1; plus strand). Cytogenetic location: 16p13.11.
Variant type: single nucleotide variant.
Coding change: c.5388G>A on transcript NM_002474.3 (MANE Select); coding-DNA position 5388, G replaced by A.
Protein change: p.Glu1796=; no amino-acid change (glutamic acid 1796 retained).
Molecular consequence: synonymous variant. On other transcripts: intron variant (2).
Genome position (GRCh38, 1-based): chr16:15,717,256, C>T on the plus strand (G>A on the coding strand, the complement: MYH11 is on the minus strand). VCF-style: chr16-15717256-C-T. GRCh37 (hg19) VCF-style: chr16-15811113-C-T.
Other names: c.5409G>A, p.Glu1803= (NM_001040113.2, NM_001040114.2); c.5388G>A, p.Glu1796= (NM_022844.3); c.948-6935C>T (NM_001143979.2, NM_017668.3); c.5388G>A (NM_002474.2).
Identifiers: ClinVar variation 2773791 (VCV002773791.4), dbSNP rs2040207319, ClinGen allele CA494087687.

ClinVar aggregate classification (germline): Likely benign. Review status: criteria provided, multiple submitters, no conflicts (2 of 4 stars). 3 submissions from 3 submitters: Likely benign (3). Last evaluated 2026-04-20.

Conditions:
Familial thoracic aortic aneurysm and aortic dissection (TAAD). Also called: Thoracic aortic aneurysms and dissections. Identifiers: Orphanet 91387, MedGen C4707243, MONDO:0019625.

Allele frequency attached by ClinVar (database versions not stated): gnomAD exomes below 0.00001.
gnomAD v4.1: 3 of 1,614,152 alleles (0.00019%); highest among the groups gnomAD compares: Non-Finnish European, 0.00025%; no homozygotes.

Submissions (3):

Ambry Genetics
Classification: Likely benign for Familial thoracic aortic aneurysm and aortic dissection. Last evaluated: 2026-04-20. Review status: criteria provided, single submitter. Criteria: Ambry Variant Classification Scheme 2023. Collection method: clinical testing. Allele origin: germline.

All of Us Research Program, National Institutes of Health
Classification: Likely benign for Familial thoracic aortic aneurysm and aortic dissection. Last evaluated: 2023-08-15. Review status: criteria provided, single submitter. Criteria: ACMG Guidelines, 2015. Collection method: clinical testing. Allele origin: germline. Inheritance: Autosomal dominant inheritance. Observed: 2 variant alleles, 2 heterozygotes.
Comment: This study involves interpretation of variants in research participants for the purpose of population health screening. Participant phenotype was not available at the time of variant classification. Additional details can be found in publication PMID: 35346344, PMCID: PMC8962531

Color Diagnostics, LLC DBA Color Health
Classification: Likely benign for Familial thoracic aortic aneurysm and aortic dissection. Last evaluated: 2022-08-08. Review status: criteria provided, single submitter. Criteria: ACMG Guidelines, 2015. Collection method: clinical testing. Allele origin: germline.